The following is an entry in ClinVar:

ClinVar aggregate classification (germline): Likely benign (1 of 4 stars; one submission).

Allele frequency attached by ClinVar (database versions not stated): gnomAD exomes 0.00004; gnomAD 0.00008; TOPMed 0.00011; 1000 Genomes Project 0.00053; 1000 Genomes Project 30x 0.00062.
gnomAD v4.1: 57 of 1,161,684 alleles (0.0049%); highest among the groups gnomAD compares: Middle Eastern, 0.07%; no homozygotes.

Submission:

CeGaT Center for Human Genetics Tuebingen
Classification: Likely benign. Last evaluated: 2023-03-01. Review status: criteria provided, single submitter. Criteria: CeGaT Center For Human Genetics Tuebingen Variant Classification Criteria Version 2. Collection method: clinical testing. Allele origin: germline. Affected: yes. Observed: 2 variant alleles.
Comment: CFAP47: BP4, BS2

NM_001304548.2(CFAP47):c.8725C>T (p.Arg2909Trp)

Gene: CFAP47 (cilia and flagella associated protein 47; plus strand). Cytogenetic location: Xp21.1.
Variant type: single nucleotide variant.
Coding change: c.8725C>T on transcript NM_001304548.2 (MANE Select); coding-DNA position 8725, C replaced by T.
Protein change: p.Arg2909Trp; replaces arginine 2909 with tryptophan.
Molecular consequence: missense variant.
Genome position (GRCh38, 1-based): chrX:36,353,555, C>T. VCF-style: chrX-36353555-C-T. GRCh37 (hg19) VCF-style: chrX-36371670-C-T.
Other names: short protein forms R2909W.
Identifiers: ClinVar variation 2660270 (VCV002660270.24), dbSNP rs782183654, ClinGen allele CA328892399.